The following is an entry in ClinVar:

NM_001369369.1(FOXN1):c.1907T>C (p.Val636Ala)

Gene: FOXN1 (forkhead box N1; plus strand). Cytogenetic location: 17q11.2.
Variant type: single nucleotide variant.
Coding change: c.1907T>C on transcript NM_001369369.1 (MANE Select); coding-DNA position 1907, T replaced by C.
Protein change: p.Val636Ala; replaces valine 636 with alanine.
Molecular consequence: missense variant.
Genome position (GRCh38, 1-based): chr17:28,537,396, T>C. VCF-style: chr17-28537396-T-C. GRCh37 (hg19) VCF-style: chr17-26864414-T-C.
Other names: c.1907T>C, p.Val636Ala (NM_003593.3); short protein forms V636A.
Identifiers: ClinVar variation 1506685 (VCV001506685.5), dbSNP rs1346251957, ClinGen allele CA398328757.

ClinVar aggregate classification (germline): Uncertain significance (1 of 4 stars; one submission).

Conditions:
T-cell immunodeficiency, congenital alopecia, and nail dystrophy. Also called: Congenital alopecia and nail dystrophy associated with severe functional T-cell immunodeficiency; Pignata Guarino syndrome. Identifiers: Orphanet 169095, MedGen C1866426, MONDO:0011132, OMIM 601705.

Submission:

Labcorp Genetics (formerly Invitae), Labcorp
Classification: Uncertain significance for T-cell immunodeficiency, congenital alopecia, and nail dystrophy. Last evaluated: 2024-11-22. Review status: criteria provided, single submitter. Criteria: Invitae Variant Classification Sherloc (09022015). Collection method: clinical testing. Allele origin: germline.
Comment: This sequence change replaces valine, which is neutral and non-polar, with alanine, which is neutral and non-polar, at codon 636 of the FOXN1 protein (p.Val636Ala). This variant is not present in population databases (gnomAD no frequency). This variant has not been reported in the literature in individuals affected with FOXN1-related conditions. ClinVar contains an entry for this variant (Variation ID: 1506685). Invitae Evidence Modeling of protein sequence and biophysical properties (such as structural, functional, and spatial information, amino acid conservation, physicochemical variation, residue mobility, and thermodynamic stability) indicates that this missense variant is not expected to disrupt FOXN1 protein function with a negative predictive value of 80%. In summary, the available evidence is currently insufficient to determine the role of this variant in disease. Therefore, it has been classified as a Variant of Uncertain Significance.